The following is an entry in ClinVar:

ClinVar aggregate classification (germline): Uncertain significance. Review status: criteria provided, multiple submitters, no conflicts (2 of 4 stars). 3 submissions from 3 submitters: Uncertain significance (3). Last evaluated 2026-01-30.

Conditions:
Angelman syndrome (AS). Also called: HAPPY PUPPET SYNDROME. Identifiers: Orphanet 72, MedGen C0162635, MONDO:0007113, OMIM 105830. Disease mechanism: loss of function. Inheritance: imprinting disorder, AS is caused by disruption of maternally imprinted UBE3A located within the 15q11.2-q13 Angelman syndrome/Prader-Willi syndrome (AS/PWS) region..

Allele frequency attached by ClinVar (database versions not stated): gnomAD exomes below 0.00001; TOPMed below 0.00001; gnomAD 0.00001.
gnomAD v4.1: 7 of 1,613,890 alleles (0.00043%); highest among the groups gnomAD compares: Non-Finnish European, 0.00059%; no homozygotes.

Submissions (3):

GeneDx
Classification: Uncertain significance. Last evaluated: 2026-01-30. Review status: criteria provided, single submitter. Criteria: GeneDx Variant Classification Process June 2021. Collection method: clinical testing. Allele origin: germline. Affected: yes.
Comment: Reported as a maternally inherited variant in a proband with developmental delay, hypotonia, and infantile onset epilepsy (PMID: 34815418); Not observed at significant frequency in large population cohorts (gnomAD); In silico analysis suggests that this missense variant does not alter protein structure/function; This variant is associated with the following publications: (PMID: 34815418)

Labcorp Genetics (formerly Invitae), Labcorp
Classification: Uncertain significance for Angelman syndrome. Last evaluated: 2024-08-02. Review status: criteria provided, single submitter. Criteria: Invitae Variant Classification Sherloc (09022015). Collection method: clinical testing. Allele origin: germline.
Comment: This sequence change replaces leucine, which is neutral and non-polar, with histidine, which is basic and polar, at codon 781 of the UBE3A protein (p.Leu781His). This variant is not present in population databases (gnomAD no frequency). This missense change has been observed in individual(s) with clinical features of UBE3A-related conditions (Invitae). ClinVar contains an entry for this variant (Variation ID: 378844). Advanced modeling of protein sequence and biophysical properties (such as structural, functional, and spatial information, amino acid conservation, physicochemical variation, residue mobility, and thermodynamic stability) performed at Invitae indicates that this missense variant is expected to disrupt UBE3A protein function with a positive predictive value of 80%. Experimental studies have shown that this missense change affects UBE3A function (PMID: 34815418). In summary, the available evidence is currently insufficient to determine the role of this variant in disease. Therefore, it has been classified as a Variant of Uncertain Significance.

Blueprint Genetics
Classification: Uncertain significance. Last evaluated: 2022-12-22. Review status: criteria provided, single submitter. Criteria: ACMG Guidelines, 2015. Collection method: clinical testing. Allele origin: germline.

Literature cited by the submitters: PubMed 34815418 (cited by Labcorp Genetics (formerly Invitae), Labcorp).

NM_130839.5(UBE3A):c.2402T>A (p.Leu801His)

Genes: SNHG14 (small nucleolar RNA host gene 14; plus strand), UBE3A (ubiquitin protein ligase E3A; minus strand). Cytogenetic location: 15q11.2.
Variant type: single nucleotide variant.
Coding change: c.2402T>A on transcript NM_130839.5 (MANE Select); coding-DNA position 2402, T replaced by A.
Protein change: p.Leu801His; replaces leucine 801 with histidine.
Molecular consequence: missense variant. On other transcripts: non-coding transcript variant (1).
Genome position (GRCh38, 1-based): chr15:25,340,181, A>T on the plus strand (T>A on the coding strand, the complement: UBE3A is on the minus strand). VCF-style: chr15-25340181-A-T. GRCh37 (hg19) VCF-style: chr15-25585328-A-T.
Other names: c.2411T>A, p.Leu804His (NM_000462.5); c.2402T>A, p.Leu801His (NM_001354505.1, NM_001354538.2); c.2342T>A, p.Leu781His (NM_001354506.2, NM_001354507.2, NM_001354508.2 and 14 more transcripts); c.2246T>A, p.Leu749His (NM_001354545.2); c.2225T>A, p.Leu742His (NM_001354546.2); c.2186T>A, p.Leu729His (NM_001354547.2, NM_001354548.2); c.2177T>A, p.Leu726His (NM_001354549.2); c.1151T>A, p.Leu384His (NM_001354550.2); and 1 more; short protein forms L781H, L742H, L749H, L801H, L726H, L729H, L804H, L364H.
Identifiers: ClinVar variation 378844 (VCV000378844.14), dbSNP rs1057520393, ClinGen allele CA16606891.
Genomic context (GRCh38, chr15:25,340,181, plus strand): 5'-TTTAATTTTCCTAGTCCTCCCACAGGTGCTCTGTCTGTGCCCGTTGTAAACTGCAAGAAG[A>T]GTCTTTTCTGTTCATCTGTAAATGAATGAACGATTTCCCAGAACTCCCTAATGAGAAAAA-3'
Protein context (NP_570854.1, residues 791-811): VHSFTDEQKR[Leu801His]FLQFTTGTDR